The following is an entry in ClinVar:

NM_000925.4(PDHB):c.292G>A (p.Gly98Ser)

Gene: PDHB (pyruvate dehydrogenase E1 subunit beta; minus strand). Cytogenetic location: 3p14.3.
Variant type: single nucleotide variant.
Coding change: c.292G>A on transcript NM_000925.4 (MANE Select); coding-DNA position 292, G replaced by A.
Protein change: p.Gly98Ser; replaces glycine 98 with serine.
Molecular consequence: missense variant. On other transcripts: non-coding transcript variant (1).
Genome position (GRCh38, 1-based): chr3:58,431,604, C>T on the plus strand (G>A on the coding strand, the complement: PDHB is on the minus strand). VCF-style: chr3-58431604-C-T. GRCh37 (hg19) VCF-style: chr3-58417331-C-T.
Other names: c.292G>A, p.Gly98Ser (NM_001173468.2); c.238G>A, p.Gly80Ser (NM_001315536.2); short protein forms G98S, G80S.
Identifiers: ClinVar variation 1037191 (VCV001037191.5), dbSNP rs2062921405, ClinGen allele CA353362930.
Genomic context (GRCh38, chr3:58,431,604, plus strand): 5'-AGAAAACAAGAAATGTCTTTGGATAAGTTTCATAAAGAGTATTACATACCATAGCTGCAC[C>T]TACAGCAATTCCAGCAAAGCCCATCTATAAAGTAAAATATAAACATAAGTGAAAATCCAT-3'
Protein context (NP_000916.2, residues 88-108): SEMGFAGIAV[Gly98Ser]AAMAGLRPIC

ClinVar aggregate classification (germline): Uncertain significance (1 of 4 stars; one submission).

Conditions:
Pyruvate dehydrogenase E1-beta deficiency (PDHBD). Identifiers: Orphanet 765, MedGen C3279841, MONDO:0013580, OMIM 614111, Orphanet 255138.

Submission:

Labcorp Genetics (formerly Invitae), Labcorp
Classification: Uncertain significance for Pyruvate dehydrogenase E1-beta deficiency. Last evaluated: 2022-01-06. Review status: criteria provided, single submitter. Criteria: Invitae Variant Classification Sherloc (09022015). Collection method: clinical testing. Allele origin: germline.
Comment: In summary, the available evidence is currently insufficient to determine the role of this variant in disease. Therefore, it has been classified as a Variant of Uncertain Significance. Algorithms developed to predict the effect of sequence changes on RNA splicing suggest that this variant may create or strengthen a splice site. Algorithms developed to predict the effect of missense changes on protein structure and function are either unavailable or do not agree on the potential impact of this missense change (SIFT: "Deleterious"; PolyPhen-2: "Probably Damaging"; Align-GVGD: "Class C0"). ClinVar contains an entry for this variant (Variation ID: 1037191). This variant has not been reported in the literature in individuals affected with PDHB-related conditions. This variant is not present in population databases (gnomAD no frequency). This sequence change replaces glycine, which is neutral and non-polar, with serine, which is neutral and polar, at codon 98 of the PDHB protein (p.Gly98Ser).